The following is an entry in ClinVar:

NM_000243.3(MEFV):c.549G>A (p.Pro183=)

Gene: MEFV (MEFV innate immunity regulator, pyrin; minus strand). Cytogenetic location: 16p13.3.
Variant type: single nucleotide variant.
Coding change: c.549G>A on transcript NM_000243.3 (MANE Select); coding-DNA position 549, G replaced by A.
Protein change: p.Pro183=; no amino-acid change (proline 183 retained).
Molecular consequence: synonymous variant. On other transcripts: intron variant (1).
Genome position (GRCh38, 1-based): chr16:3,254,519, C>T on the plus strand (G>A on the coding strand, the complement: MEFV is on the minus strand). VCF-style: chr16-3254519-C-T. GRCh37 (hg19) VCF-style: chr16-3304519-C-T.
Other names: p.P183P:CCG>CCA; c.277+1792G>A (NM_001198536.2).
Identifiers: ClinVar variation 138207 (VCV000138207.20), dbSNP rs587781035, ClinGen allele CA292054.

ClinVar aggregate classification (germline): Conflicting classifications of pathogenicity. Review status: criteria provided, conflicting classifications (1 of 4 stars). 6 submissions from 6 submitters: Uncertain significance (1); Benign (1); Likely benign (4). Last evaluated 2026-01-26.

Conditions:
Familial Mediterranean fever (FMF). Also called: POLYSEROSITIS, FAMILIAL PAROXYSMAL; POLYSEROSITIS, RECURRENT; Periodic peritonitis; Benign paroxysmal peritonitis. Identifiers: Orphanet 342, MedGen C0031069, MONDO:0018088, OMIM 249100. Disease mechanism: gain of function.

Allele frequency attached by ClinVar (database versions not stated): gnomAD exomes 0.00004; gnomAD 0.00006; ExAC 0.00007; TOPMed 0.00011.
gnomAD v4.1: 179 of 1,556,050 alleles (0.012%); highest among the groups gnomAD compares: Non-Finnish European, 0.013%; no homozygotes.

Submissions (6):

Labcorp Genetics (formerly Invitae), Labcorp
Classification: Likely benign for Familial Mediterranean fever. Last evaluated: 2026-01-26. Review status: criteria provided, single submitter. Criteria: Invitae Variant Classification Sherloc (09022015). Collection method: clinical testing. Allele origin: germline.

Blueprint Genetics
Classification: Likely benign. Last evaluated: 2024-11-05. Review status: criteria provided, single submitter. Criteria: ACMG Guidelines, 2015. Collection method: clinical testing. Allele origin: germline.

Women's Health and Genetics/Laboratory Corporation of America, LabCorp
Classification: Likely benign. Last evaluated: 2020-10-16. Review status: criteria provided, single submitter. Criteria: LabCorp Variant Classification Summary - May 2015. Collection method: clinical testing. Allele origin: germline.

Illumina Laboratory Services, Illumina
Classification: Uncertain significance for Familial Mediterranean fever. Last evaluated: 2018-01-12. Review status: criteria provided, single submitter. Criteria: ICSL Variant Classification Criteria 13 December 2019. Collection method: clinical testing. Allele origin: germline.

ARUP Laboratories, Molecular Genetics and Genomics, ARUP Laboratories
Classification: Likely benign. Last evaluated: 2017-09-16. Review status: criteria provided, single submitter. Criteria: ARUP Molecular Germline Variant Investigation Process. Collection method: clinical testing. Allele origin: germline.
Comment: The MEFV c.549G>A;p.Pro183Pro (rs587781035) variant has not been described in the medical literature, but is listed in the ClinVar database as benign (Variation ID: 138207). The variant is listed in the Genome Aggregation Database as a rare variant (10/184110 alleles). This is a silent variant, the nucleotide at this position is not well conserved across species, and computational algorithms (SpliceSiteFinder-like, MaxEntScan, NNSplice, GeneSplicer, Human Splicing Finder) predict this variant does not significantly alter splicing. Additionally, this variant is inconsistent with the pathogenic mechanism of familial Mediterranean fever. Although this variant has been described in an individual with ulcerative colitis (see link below), this variant is classified as likely benign. References: Link to MEFV database

GeneDx
Classification: Benign. Last evaluated: 2013-12-14. Review status: criteria provided, single submitter. Criteria: GeneDx Variant Classification (06012015). Collection method: clinical testing. Allele origin: germline. Affected: yes.
Comment: This variant is considered likely benign or benign based on one or more of the following criteria: it is a conservative change, it occurs at a poorly conserved position in the protein, it is predicted to be benign by multiple in silico algorithms, and/or has population frequency not consistent with disease.